The following is an entry in ClinVar:

NM_001130438.3(SPTAN1):c.200C>T (p.Ala67Val)

Gene: SPTAN1 (spectrin alpha, non-erythrocytic 1; plus strand). Cytogenetic location: 9q34.11.
Variant type: single nucleotide variant.
Coding change: c.200C>T on transcript NM_001130438.3 (MANE Select); coding-DNA position 200, C replaced by T.
Protein change: p.Ala67Val; replaces alanine 67 with valine.
Molecular consequence: missense variant.
Genome position (GRCh38, 1-based): chr9:128,566,940, C>T. VCF-style: chr9-128566940-C-T. GRCh37 (hg19) VCF-style: chr9-131329219-C-T.
Other names: c.200C>T, p.Ala67Val (NM_001195532.2, NM_001363759.2, NM_001363765.2 and 10 more transcripts); c.236C>T, p.Ala79Val (NM_001375312.2, NM_001375318.1, NM_001438440.1); short protein forms A67V, A79V.
Identifiers: ClinVar variation 4982747 (VCV004982747.1).

ClinVar aggregate classification (germline): Uncertain significance (1 of 4 stars; one submission).

Conditions:
SPTAN1-related disorder. Also called: SPTAN1-related disorders; SPTAN1-related condition.

Submission:

PreventionGenetics, part of Exact Sciences
Classification: Uncertain significance for SPTAN1-related condition. Last evaluated: 2026-02-23. Review status: criteria provided, single submitter. Criteria: ACMG Guidelines, 2015. Collection method: clinical testing. Allele origin: germline.
Comment: The SPTAN1 c.200C>T variant is predicted to result in the amino acid substitution p.Ala67Val. To our knowledge, this variant has not been reported in the literature or in a large population database (gnomAD), indicating this variant is rare. At this time, the clinical significance of this variant is uncertain due to the absence of conclusive functional and genetic evidence.